The following is an entry in ClinVar:

NM_005257.6(GATA6):c.1447A>G (p.Met483Val)

Gene: GATA6 (GATA binding protein 6; plus strand). Cytogenetic location: 18q11.2.
Variant type: single nucleotide variant.
Coding change: c.1447A>G on transcript NM_005257.6 (MANE Select); coding-DNA position 1447, A replaced by G.
Protein change: p.Met483Val; replaces methionine 483 with valine.
Molecular consequence: missense variant.
Genome position (GRCh38, 1-based): chr18:22,182,775, A>G. VCF-style: chr18-22182775-A-G. GRCh37 (hg19) VCF-style: chr18-19762736-A-G.
Other names: short protein forms M483V.
Identifiers: ClinVar variation 4531688 (VCV004531688.1).

ClinVar aggregate classification (germline): Uncertain significance (1 of 4 stars; one submission).

Conditions:
GATA6-related congenital heart disease with or without pancreatic hypoplasia or diabetes. Also called: GATA6-related congenital heart disease with or without pancreatic agenesis or neonatal diabetes. Identifiers: MedGen CN377182, MONDO:0100540.

Submission:

Victorian Clinical Genetics Services, Murdoch Childrens Research Institute
Classification: Uncertain significance for GATA6-related congenital heart disease with or without pancreatic hypoplasia or diabetes. Last evaluated: 2025-08-12. Review status: criteria provided, single submitter. Criteria: ACMG Guidelines, 2015. Collection method: clinical testing. Allele origin: germline. Affected: yes.
Comment: This variant is classified as VUS-3A. Evidence in support of pathogenic classification: Variant is absent from gnomAD (v2, v3 and v4); This variant has limited previous evidence of pathogenicity in an individual. This variant has been reported in an individual with congenital heart disease and neurodevelopmental delay (PMID:33054971); Missense variant in a region that is highly intolerant to missense variation (high constraint region in DECIPHER); Missense variant predicted to be damaging by in silico tool(s) or highly conserved with a major amino acid change. Additional information: Variant is predicted to result in a missense amino acid change from Met to Val; This variant is heterozygous; This gene is associated with autosomal dominant disease; Alternative amino acid change(s) at the same position are present in gnomAD (v4: 1 heterozygote(s), 0 homozygote(s)); No published functional evidence has been identified for this variant; No comparable missense variants have previous evidence for pathogenicity; Loss of function and gain of function are known mechanisms of disease for this gene. Missense have been demonstrated to have both loss of function (PMID:19666519) and gain of function (PMID:20581743) effects on transactivation activity.

Literature cited by the submitters: PubMed 33054971; PubMed 20581743; PubMed 19666519.